The following is an entry in ClinVar:

ClinVar aggregate classification (germline): Uncertain significance (1 of 4 stars; one submission).

Submission:

Ambry Genetics
Classification: Uncertain significance. Last evaluated: 2025-11-05. Review status: criteria provided, single submitter. Criteria: Ambry Variant Classification Scheme 2023. Collection method: clinical testing. Allele origin: germline.
Comment: The c.1625G>T (p.R542L) alteration is located in exon 7 (coding exon 7) of the DENND2A gene. This alteration results from a G to T substitution at nucleotide position 1625, causing the arginine (R) at amino acid position 542 to be replaced by a leucine (L). Based on data from gnomAD, the T allele has an overall frequency of <0.001% (0/245878) total alleles studied. The highest observed frequency was <0.001% (/) of alleles. Based on insufficient or conflicting evidence, the clinical significance of this alteration remains unclear.

NM_015689.5(DENND2A):c.1625G>T (p.Arg542Leu)

Gene: DENND2A (DENN domain containing 2A; minus strand). Cytogenetic location: 7q34.
Variant type: single nucleotide variant.
Coding change: c.1625G>T on transcript NM_015689.5 (MANE Select); coding-DNA position 1625, G replaced by T.
Protein change: p.Arg542Leu; replaces arginine 542 with leucine.
Molecular consequence: missense variant. On other transcripts: non-coding transcript variant (1).
Genome position (GRCh38, 1-based): chr7:140,567,240, C>A on the plus strand (G>T on the coding strand, the complement: DENND2A is on the minus strand). VCF-style: chr7-140567240-C-A. GRCh37 (hg19) VCF-style: chr7-140267040-C-A.
Other names: c.1625G>T, p.Arg542Leu (NM_001318052.2, NM_001318053.2, NM_001362678.2); short protein forms R542L.
Identifiers: ClinVar variation 4659428 (VCV004659428.1).